The following is an entry in ClinVar:

ClinVar aggregate classification (germline): Uncertain significance (1 of 4 stars; one submission).

gnomAD v4.1: 5 of 1,585,134 alleles (0.00032%); highest among the groups gnomAD compares: Non-Finnish European, 0.00043%; no homozygotes.

Submission:

Labcorp Genetics (formerly Invitae), Labcorp
Classification: Uncertain significance. Last evaluated: 2025-02-04. Review status: criteria provided, single submitter. Criteria: Invitae Variant Classification Sherloc (09022015). Collection method: clinical testing. Allele origin: germline.
Comment: This sequence change affects a donor splice site in intron 3 of the SLC10A2 gene. It is expected to disrupt RNA splicing. Variants that disrupt the donor or acceptor splice site typically lead to a loss of protein function (PMID: 16199547), however the current clinical and genetic evidence is not sufficient to establish whether loss-of-function variants in SLC10A2 cause disease. This variant is present in population databases (no rsID available, gnomAD 0.0009%). This variant has not been reported in the literature in individuals affected with SLC10A2-related conditions. Algorithms developed to predict the effect of sequence changes on RNA splicing suggest that this variant may disrupt the consensus splice site. In summary, the available evidence is currently insufficient to determine the role of this variant in disease. Therefore, it has been classified as a Variant of Uncertain Significance.

Literature cited by the submitters: PubMed 16199547.

NM_000452.3(SLC10A2):c.585+1G>A

Gene: SLC10A2 (solute carrier family 10 member 2; minus strand). Cytogenetic location: 13q33.1.
Variant type: single nucleotide variant.
Coding change: c.585+1G>A on transcript NM_000452.3 (MANE Select); the canonical splice donor site of the intron after coding-DNA position 585, G replaced by A.
Molecular consequence: splice donor variant.
Genome position (GRCh38, 1-based): chr13:103,052,619, C>T on the plus strand (G>A on the coding strand, the complement: SLC10A2 is on the minus strand). VCF-style: chr13-103052619-C-T. GRCh37 (hg19) VCF-style: chr13-103704969-C-T.
Identifiers: ClinVar variation 4769780 (VCV004769780.1).